The following is an entry in ClinVar:

NM_206933.4(USH2A):c.5835_5836dup (p.Arg1946fs)

Genes: USH2A (usherin; minus strand), USH2A-AS2 (USH2A antisense RNA 2; plus strand). Cytogenetic location: 1q41.
Variant type: Duplication.
Coding change: c.5835_5836dup on transcript NM_206933.4 (MANE Select); coding-DNA positions 5835 to 5836, 2 bases duplicated (TC; older notation c.5835_5836dupTC).
Protein change: p.Arg1946fs; shifts the reading frame from arginine 1946.
Molecular consequence: frameshift variant.
Genome position (GRCh38, 1-based): chr1:216,072,910-216,072,911, GA duplicated on the plus strand (TC on the coding strand, the reverse complement: USH2A is on the minus strand). VCF-style (leftmost placement, unchanged base first): chr1-216072909-C-CGA. GRCh37 (hg19) VCF-style: chr1-216246251-C-CGA.
Other names: short protein forms R1946fs.
Identifiers: ClinVar variation 1457912 (VCV001457912.9), dbSNP rs1221017154, ClinGen allele CA731418930.

ClinVar aggregate classification (germline): Pathogenic/Likely pathogenic. Review status: criteria provided, multiple submitters, no conflicts (2 of 4 stars). 4 submissions from 4 submitters: Pathogenic (2); Likely pathogenic (2). Last evaluated 2024-11-22.

Conditions:
USH2A-related disorder. Also called: USH2A-related disorders; USH2A-related condition. Identifiers: MedGen CN239332.
Usher syndrome type 2A. Also called: RETINAL DISEASE IN USHER SYNDROME TYPE IIA, MODIFIER OF; USHER SYNDROME, TYPE IIA. Identifiers: Orphanet 231178, Orphanet 886, MedGen C1848634, MONDO:0010169, OMIM 276901.
Retinitis pigmentosa 39 (RP39). Identifiers: Orphanet 791, MedGen C3151138, MONDO:0013436, OMIM 613809.

Allele frequency attached by ClinVar (database versions not stated): TOPMed below 0.00001.

Submissions (4):

Blueprint Genetics
Classification: Likely pathogenic for USH2A-related disorders. Last evaluated: 2024-11-22. Review status: criteria provided, single submitter. Criteria: ACMG Guidelines, 2015. Collection method: clinical testing. Allele origin: germline. Affected: yes. Observed: 2 variant alleles.

Fulgent Genetics
Classification: Likely pathogenic for Usher syndrome type 2A; Retinitis pigmentosa 39. Last evaluated: 2024-03-29. Review status: criteria provided, single submitter. Criteria: ACMG Guidelines, 2015. Collection method: clinical testing. Allele origin: germline.

Baylor Genetics
Classification: Pathogenic for Retinitis pigmentosa 39. Last evaluated: 2023-06-13. Review status: criteria provided, single submitter. Criteria: ACMG Guidelines, 2015. Collection method: clinical testing. Allele origin: unknown.

Labcorp Genetics (formerly Invitae), Labcorp
Classification: Pathogenic. Last evaluated: 2021-11-14. Review status: criteria provided, single submitter. Criteria: Invitae Variant Classification Sherloc (09022015). Collection method: clinical testing. Allele origin: germline.
Comment: This sequence change creates a premature translational stop signal (p.Arg1946Leufs*22) in the USH2A gene. It is expected to result in an absent or disrupted protein product. Loss-of-function variants in USH2A are known to be pathogenic (PMID: 10729113, 10909849, 20507924, 25649381). This variant is not present in population databases (gnomAD no frequency). For these reasons, this variant has been classified as Pathogenic. This premature translational stop signal has been observed in individual(s) with Usher syndrome (PMID: 22135276).

Literature cited by the submitters: PubMed 10729113 (cited by Labcorp Genetics (formerly Invitae), Labcorp); PubMed 10909849 (cited by Labcorp Genetics (formerly Invitae), Labcorp); PubMed 20507924 (cited by Labcorp Genetics (formerly Invitae), Labcorp); PubMed 25649381 (cited by Labcorp Genetics (formerly Invitae), Labcorp); PubMed 22135276 (cited by Labcorp Genetics (formerly Invitae), Labcorp).